The following is an entry in ClinVar:

ClinVar aggregate classification (germline): Benign/Likely benign. Review status: criteria provided, multiple submitters, no conflicts (2 of 4 stars). 2 submissions from 2 submitters: Benign (1); Likely benign (1). Last evaluated 2022-07-25.

Conditions:
Absence seizure. Also called: Absence epilepsy. Identifiers: Orphanet 1941, MedGen C0014553.
Myoclonic epilepsy, juvenile, susceptibility to, 1. Also called: Myoclonic Epilepsy, Juvenile, 1; EJM1. Identifiers: MedGen C1850778, MONDO:0020752, OMIM 254770.

Allele frequency attached by ClinVar (database versions not stated): TOPMed 0.00001; gnomAD 0.00002 and 0.00003; ExAC 0.00003; gnomAD exomes 0.00004 and 0.00007; 1000 Genomes Project 30x 0.00031.
gnomAD v4.1: 102 of 1,614,208 alleles (0.0063%); highest among the groups gnomAD compares: Middle Eastern, 0.58%; 1 homozygote.

Submissions (2):

Labcorp Genetics (formerly Invitae), Labcorp
Classification: Likely benign for Myoclonic epilepsy, juvenile, susceptibility to, 1; Absence seizure. Last evaluated: 2022-07-25. Review status: criteria provided, single submitter. Criteria: Invitae Variant Classification Sherloc (09022015). Collection method: clinical testing. Allele origin: germline.

GeneDx
Classification: Benign. Last evaluated: 2013-10-01. Review status: criteria provided, single submitter. Criteria: GeneDx Variant Classification (06012015). Collection method: clinical testing. Allele origin: germline. Affected: yes.
Comment: This variant is considered likely benign or benign based on one or more of the following criteria: it is a conservative change, it occurs at a poorly conserved position in the protein, it is predicted to be benign by multiple in silico algorithms, and/or has population frequency not consistent with disease.

NM_018100.4(EFHC1):c.1557C>T (p.Asn519=)

Gene: EFHC1 (EF-hand domain containing 1; plus strand). Cytogenetic location: 6p12.2.
Variant type: single nucleotide variant.
Coding change: c.1557C>T on transcript NM_018100.4 (MANE Select); coding-DNA position 1557, C replaced by T.
Protein change: p.Asn519=; no amino-acid change (asparagine 519 retained).
Molecular consequence: synonymous variant. On other transcripts: non-coding transcript variant (1).
Genome position (GRCh38, 1-based): chr6:52,479,704, C>T. VCF-style: chr6-52479704-C-T. GRCh37 (hg19) VCF-style: chr6-52344502-C-T.
Other names: p.N519N:AAC>AAT; c.1500C>T, p.Asn500= (NM_001172420.2).
Identifiers: ClinVar variation 205379 (VCV000205379.14), dbSNP rs773385237, ClinGen allele CA314396.